The following is an entry in ClinVar:

ClinVar aggregate classification (germline): Uncertain significance (1 of 4 stars; one submission).

Conditions:
Inborn genetic diseases. Identifiers: MedGen C0950123, MeSH D030342.

Submission:

Ambry Genetics
Classification: Uncertain significance for Inborn genetic diseases. Last evaluated: 2025-07-18. Review status: criteria provided, single submitter. Criteria: Ambry Variant Classification Scheme 2023. Collection method: clinical testing. Allele origin: germline.
Comment: The p.Y400C variant (also known as c.1199A>G), located in coding exon 7 of the ERCC6L2 gene, results from an A to G substitution at nucleotide position 1199. The tyrosine at codon 400 is replaced by cysteine, an amino acid with highly dissimilar properties. This amino acid position is conserved. In addition, this alteration is predicted to be deleterious by in silico analysis. Based on the available evidence, the clinical significance of this variant remains unclear.

NM_020207.7(ERCC6L2):c.1199A>G (p.Tyr400Cys)

Gene: ERCC6L2 (ERCC excision repair 6 like 2; plus strand). Cytogenetic location: 9q22.32.
Variant type: single nucleotide variant.
Coding change: c.1199A>G on transcript NM_020207.7 (MANE Select); coding-DNA position 1199, A replaced by G.
Protein change: p.Tyr400Cys; replaces tyrosine 400 with cysteine.
Molecular consequence: missense variant. On other transcripts: non-coding transcript variant (1).
Genome position (GRCh38, 1-based): chr9:95,921,215, A>G. VCF-style: chr9-95921215-A-G. GRCh37 (hg19) VCF-style: chr9-98683497-A-G.
Other names: c.1199A>G, p.Tyr400Cys (NM_001010895.4, NM_001375291.1, NM_001375292.1 and 2 more transcripts); short protein forms Y400C.
Identifiers: ClinVar variation 4250587 (VCV004250587.1).